The following is an entry in ClinVar:

ClinVar aggregate classification (germline): Uncertain significance (1 of 4 stars; one submission).

Submission:

Labcorp Genetics (formerly Invitae), Labcorp
Classification: Uncertain significance. Last evaluated: 2024-07-26. Review status: criteria provided, single submitter. Criteria: Invitae Variant Classification Sherloc (09022015). Collection method: clinical testing. Allele origin: germline.
Comment: This sequence change replaces valine, which is neutral and non-polar, with alanine, which is neutral and non-polar, at codon 570 of the IL6ST protein (p.Val570Ala). This variant is not present in population databases (gnomAD no frequency). This variant has not been reported in the literature in individuals affected with IL6ST-related conditions. An algorithm developed to predict the effect of missense changes on protein structure and function (PolyPhen-2) suggests that this variant is likely to be disruptive. In summary, the available evidence is currently insufficient to determine the role of this variant in disease. Therefore, it has been classified as a Variant of Uncertain Significance.

NM_002184.4(IL6ST):c.1709T>C (p.Val570Ala)

Gene: IL6ST (interleukin 6 cytokine family signal transducer; minus strand). Cytogenetic location: 5q11.2.
Variant type: single nucleotide variant.
Coding change: c.1709T>C on transcript NM_002184.4 (MANE Select); coding-DNA position 1709, T replaced by C.
Protein change: p.Val570Ala; replaces valine 570 with alanine.
Molecular consequence: missense variant. On other transcripts: 3 prime UTR variant (1), non-coding transcript variant (2).
Genome position (GRCh38, 1-based): chr5:55,951,595, A>G on the plus strand (T>C on the coding strand, the complement: IL6ST is on the minus strand). VCF-style: chr5-55951595-A-G. GRCh37 (hg19) VCF-style: chr5-55247423-A-G.
Other names: c.1526T>C, p.Val509Ala (NM_001190981.2); c.1607T>C, p.Val536Ala (NM_001364275.2); c.1499T>C, p.Val500Ala (NM_001364276.2); c.842T>C, p.Val281Ala (NM_001364277.2); c.806T>C, p.Val269Ala (NM_001364278.2); c.713T>C, p.Val238Ala (NM_001364279.2); c.*636T>C (NM_175767.3); short protein forms V281A, V570A, V238A, V269A, V500A, V509A, V536A.
Identifiers: ClinVar variation 3659725 (VCV003659725.2).